The following is an entry in ClinVar:

ClinVar aggregate classification (germline): Likely pathogenic (1 of 4 stars; one submission).

Allele frequency attached by ClinVar (database versions not stated): ExAC 0.00002; ESP Exome Variant Server 0.00015; TOPMed 0.00001.
gnomAD v4.1: 31 of 1,614,234 alleles (0.0019%); highest among the groups gnomAD compares: Non-Finnish European, 0.0021%; no homozygotes.

Submission:

Labcorp Genetics (formerly Invitae), Labcorp
Classification: Likely pathogenic. Last evaluated: 2024-11-03. Review status: criteria provided, single submitter. Criteria: Invitae Variant Classification Sherloc (09022015). Collection method: clinical testing. Allele origin: germline.
Comment: This sequence change replaces glycine, which is neutral and non-polar, with arginine, which is basic and polar, at codon 502 of the SLC45A2 protein (p.Gly502Arg). This variant is present in population databases (rs147355272, gnomAD 0.003%). This missense change has been observed in individual(s) with ocular albinism (PMID: 27734839). ClinVar contains an entry for this variant (Variation ID: 2203616). Invitae Evidence Modeling of protein sequence and biophysical properties (such as structural, functional, and spatial information, amino acid conservation, physicochemical variation, residue mobility, and thermodynamic stability) indicates that this missense variant is expected to disrupt SLC45A2 protein function with a positive predictive value of 80%. In summary, the currently available evidence indicates that the variant is pathogenic, but additional data are needed to prove that conclusively. Therefore, this variant has been classified as Likely Pathogenic.

Literature cited by the submitters: PubMed 27734839.

NM_016180.5(SLC45A2):c.1504G>A (p.Gly502Arg)

Gene: SLC45A2 (solute carrier family 45 member 2; minus strand). Cytogenetic location: 5p13.2.
Variant type: single nucleotide variant.
Coding change: c.1504G>A on transcript NM_016180.5 (MANE Select); coding-DNA position 1504, G replaced by A.
Protein change: p.Gly502Arg; replaces glycine 502 with arginine.
Molecular consequence: missense variant.
Genome position (GRCh38, 1-based): chr5:33,944,737, C>T on the plus strand (G>A on the coding strand, the complement: SLC45A2 is on the minus strand). VCF-style: chr5-33944737-C-T. GRCh37 (hg19) VCF-style: chr5-33944842-C-T.
Other names: short protein forms G502R.
Identifiers: ClinVar variation 2203616 (VCV002203616.4), dbSNP rs147355272, ClinGen allele CA3225437.
Genomic context (GRCh38, chr5:33,944,737, plus strand): 5'-CAAAGCAACAGCCTATCAGTGCCACCGCAGACGCTGTGATCACCACGACGACAACGGTCC[C>T]GGCTGTGTTGACCAGAAAGCCCAGGCCACCTCCGACCAGGATCTGAGCCAGCTGCACCAT-3'
Protein context (NP_057264.4, residues 492-512): GGLGFLVNTA[Gly502Arg]TVVVVVITAS